The following is an entry in ClinVar:

ClinVar aggregate classification (germline): Pathogenic (1 of 4 stars; one submission).

Submission:

Labcorp Genetics (formerly Invitae), Labcorp
Classification: Pathogenic. Last evaluated: 2020-10-27. Review status: criteria provided, single submitter. Criteria: Invitae Variant Classification Sherloc (09022015). Collection method: clinical testing. Allele origin: germline.
Comment: For these reasons, this variant has been classified as Pathogenic. This variant has not been reported in the literature in individuals with COL7A1-related conditions. This variant is not present in population databases (ExAC no frequency). This sequence change creates a premature translational stop signal (p.Glu2862*) in the COL7A1 gene. It is expected to result in an absent or disrupted protein product. Loss-of-function variants in COL7A1 are known to be pathogenic (PMID: 16971478).

Literature cited by the submitters: PubMed 16971478.

NM_000094.4(COL7A1):c.8584G>T (p.Glu2862Ter)

Gene: COL7A1 (collagen type VII alpha 1 chain; minus strand). Cytogenetic location: 3p21.31.
Variant type: single nucleotide variant.
Coding change: c.8584G>T on transcript NM_000094.4 (MANE Select); coding-DNA position 8584, G replaced by T.
Protein change: p.Glu2862Ter; replaces glutamic acid 2862 with a stop codon.
Molecular consequence: nonsense.
Genome position (GRCh38, 1-based): chr3:48,565,145, C>A on the plus strand (G>T on the coding strand, the complement: COL7A1 is on the minus strand). VCF-style: chr3-48565145-C-A. GRCh37 (hg19) VCF-style: chr3-48602578-C-A.
Other names: short protein forms E2862*.
Identifiers: ClinVar variation 1074916 (VCV001074916.5), dbSNP rs1262728824, ClinGen allele CA352633980.
Genomic context (GRCh38, chr3:48,565,145, plus strand): 5'-CCGCTGGCAGCCCCCCATTCTCACCATCACTATCCCAAGGAGCTTCAGGGTCCTGGTACT[C>A]CTCCACAGAATACTCGGAGTATTCAGAGTACTCATCATCCTCAGGGGGTACCCGCTCTGC-3'